The following is an entry in ClinVar:

NM_002485.5(NBN):c.88_89del (p.Asn30fs)

Gene: NBN (nibrin; minus strand). Cytogenetic location: 8q21.3.
Variant type: Deletion.
Coding change: c.88_89del on transcript NM_002485.5 (MANE Select); coding-DNA positions 88 to 89, 2 bases deleted (AA; older notation c.88_89delAA).
Protein change: p.Asn30fs; shifts the reading frame from asparagine 30.
Molecular consequence: frameshift variant. On other transcripts: 5 prime UTR variant (1).
Genome position (GRCh38, 1-based): chr8:89,982,804-89,982,805, TT deleted on the plus strand (AA on the coding strand, the reverse complement: NBN is on the minus strand); deleting any 2 consecutive bases within chr8:89,982,804-89,982,808 gives the same sequence; the c. name uses the placement nearest the transcript's 3' end. VCF-style (leftmost placement, unchanged base first): chr8-89982803-GTT-G. GRCh37 (hg19) VCF-style: chr8-90995031-GTT-G.
Other names: c.88_89delAA (NM_002485.4); c.-209_-208del (NM_001024688.3); short protein forms N30fs.
Identifiers: ClinVar variation 141398 (VCV000141398.7), dbSNP rs587781718, ClinGen allele CA165319.

ClinVar aggregate classification (germline): Pathogenic. Review status: criteria provided, multiple submitters, no conflicts (2 of 4 stars). 3 submissions from 3 submitters: Pathogenic (2). 1 of the submissions does not count toward it. Last evaluated 2021-11-07.

Conditions:
Hereditary cancer-predisposing syndrome. Also called: Neoplastic Syndromes, Hereditary; Hereditary Cancer Syndrome; Hereditary neoplastic syndrome; Tumor predisposition. Identifiers: Orphanet 140162, MedGen C0027672, MeSH D009386, MONDO:0015356.
Microcephaly, normal intelligence and immunodeficiency (NBS). Also called: Immunodeficiency, microcephaly with normal intelligence; SEEMANOVA SYNDROME II; Nijmegen breakage syndrome; Microcephaly with normal intelligence immunodeficiency and lymphoreticular malignancies; Nonsyndromal microcephaly autosomal recessive with normal intelligence; Seemanova syndrome 2. Identifiers: Orphanet 647, MedGen C0398791, MONDO:0009623, OMIM 251260.

Submissions (3):

Genome-Nilou Lab
Classification: Pathogenic for Microcephaly, normal intelligence and immunodeficiency. Last evaluated: 2021-11-07. Review status: criteria provided, single submitter. Criteria: ACMG Guidelines, 2015. Collection method: clinical testing. Allele origin: germline. Affected: no.

Ambry Genetics
Classification: Pathogenic for Hereditary cancer-predisposing syndrome. Last evaluated: 2014-02-27. Review status: criteria provided, single submitter. Criteria: Ambry Autosomal Dominant and X-Linked criteria (10/2015). Collection method: clinical testing. Allele origin: germline. Observed: 1 variant allele.
Comment: Ã¢â‚¬â€¹The c.88_89delAA pathogenic mutation, located in coding exon 2 of the NBN gene, results from a deletion of 2 nucleotides between positions 88 and 89, causing a translational frameshift with a predicted alternate stop codon. Since frameshifts are typically deleterious in nature, this alteration is interpreted as a disease-causing mutation (ACMG Recommendations for Standards for Interpretation and Reporting of Sequence Variations. Revision 2007. Genet Med. 2008;10:294).

Counsyl
Classification: Likely pathogenic for Microcephaly, normal intelligence and immunodeficiency. Last evaluated: 2016-02-03. Review status: no assertion criteria provided. Collection method: clinical testing. Allele origin: unknown. Not counted in ClinVar's aggregate classification.